The following is an entry in ClinVar:

NM_001129820.2(SLFN14):c.1693T>C (p.Cys565Arg)

Gene: SLFN14 (schlafen family member 14; minus strand). Cytogenetic location: 17q12.
Variant type: single nucleotide variant.
Coding change: c.1693T>C on transcript NM_001129820.2 (MANE Select); coding-DNA position 1693, T replaced by C.
Protein change: p.Cys565Arg; replaces cysteine 565 with arginine.
Molecular consequence: missense variant.
Genome position (GRCh38, 1-based): chr17:35,552,941, A>G on the plus strand (T>C on the coding strand, the complement: SLFN14 is on the minus strand). VCF-style: chr17-35552941-A-G. GRCh37 (hg19) VCF-style: chr17-33879960-A-G.
Other names: short protein forms C565R.
Identifiers: ClinVar variation 3958075 (VCV003958075.2).

ClinVar aggregate classification (germline): Uncertain significance. Review status: criteria provided, multiple submitters, no conflicts (2 of 4 stars). 2 submissions from 2 submitters: Uncertain significance (2). Last evaluated 2026-08-06.

Conditions:
Platelet-type bleeding disorder 20 (BDPLT20). Identifiers: Orphanet 466806, MedGen C4310797, MONDO:0014830, OMIM 616913.
Inborn genetic diseases. Identifiers: MedGen C0950123, MeSH D030342.

Submissions (2):

OLLIN Analises Genomicas, OLLIN
Classification: Uncertain significance for Platelet-type bleeding disorder 20. Last evaluated: 2026-08-06. Review status: criteria provided, single submitter. Criteria: ACMG Guidelines 2015 PMID 25741868. Collection method: clinical testing. Allele origin: germline.
Comment: This missense variant, located in exon 5 (of 6), has been reported in ClinVar (accession VCV003958075.1) and in gnomAD with an allele frequency of 0.00064%. However, to our knowledge, it has not been reported in the scientific literature. In silico analysis predicts that this variant has a tolerated effect. According to the currently available evidence, this variant has been classified as uncertain significance (BP4_M).

Ambry Genetics
Classification: Uncertain significance for Inborn genetic diseases. Last evaluated: 2025-03-27. Review status: criteria provided, single submitter. Criteria: Ambry Variant Classification Scheme 2023. Collection method: clinical testing. Allele origin: germline.